The following is an entry in ClinVar:

ClinVar aggregate classification (germline): Uncertain significance (1 of 4 stars; one submission).

Conditions:
BSN-related disorder. Also called: BSN-related condition.

gnomAD v4.1: 2 of 1,600,386 alleles (0.00012%); highest among the groups gnomAD compares: Non-Finnish European, 0.000085%; no homozygotes.

Submission:

PreventionGenetics, part of Exact Sciences
Classification: Uncertain significance for BSN-related condition. Last evaluated: 2025-02-26. Review status: criteria provided, single submitter. Criteria: ACMG Guidelines, 2015. Collection method: clinical testing. Allele origin: germline.
Comment: The BSN c.4871A>G variant is predicted to result in the amino acid substitution p.Asp1624Gly. To our knowledge, this variant has not been reported in the literature. This variant is reported in 0.0055% of alleles in individuals of East Asian descent in gnomAD. At this time, the clinical significance of this variant is uncertain due to the absence of conclusive functional and genetic evidence.

NM_003458.4(BSN):c.4871A>G (p.Asp1624Gly)

Gene: BSN (bassoon presynaptic cytomatrix protein; plus strand). Cytogenetic location: 3p21.31.
Variant type: single nucleotide variant.
Coding change: c.4871A>G on transcript NM_003458.4 (MANE Select); coding-DNA position 4871, A replaced by G.
Protein change: p.Asp1624Gly; replaces aspartic acid 1624 with glycine.
Molecular consequence: missense variant.
Genome position (GRCh38, 1-based): chr3:49,654,427, A>G. VCF-style: chr3-49654427-A-G. GRCh37 (hg19) VCF-style: chr3-49691860-A-G.
Other names: short protein forms D1624G.
Identifiers: ClinVar variation 4982983 (VCV004982983.1).